The following is an entry in ClinVar:

NM_000036.3(AMPD1):c.2171G>T (p.Arg724Leu)

Gene: AMPD1 (adenosine monophosphate deaminase 1; minus strand). Cytogenetic location: 1p13.2.
Variant type: single nucleotide variant.
Coding change: c.2171G>T on transcript NM_000036.3 (MANE Select); coding-DNA position 2171, G replaced by T.
Protein change: p.Arg724Leu; replaces arginine 724 with leucine.
Molecular consequence: missense variant.
Genome position (GRCh38, 1-based): chr1:114,673,187, C>A on the plus strand (G>T on the coding strand, the complement: AMPD1 is on the minus strand). VCF-style: chr1-114673187-C-A. GRCh37 (hg19) VCF-style: chr1-115215808-C-A.
Other names: c.2159G>T, p.Arg720Leu (NM_001172626.2); short protein forms R720L, R724L.
Identifiers: ClinVar variation 1478480 (VCV001478480.6), dbSNP rs146036570, ClinGen allele CA1019910.

ClinVar aggregate classification (germline): Uncertain significance (1 of 4 stars; one submission).

Conditions:
Muscle AMP deaminase deficiency (MMDD). Also called: Myoadenylate deaminase deficiency, myopathy due to; Adenosine monophosphate deaminase 1 deficiency; AMP deaminase 1 deficiency; Adenosine Monophosphate Deaminase 1; ADENOSINE MONOPHOSPHATE DEAMINASE-1 DEFICIENCY, MYOPATHY DUE TO; AMPD1 DEFICIENCY. Identifiers: Orphanet 45, MedGen C3714933, MONDO:0014220, OMIM 615511.

Allele frequency attached by ClinVar (database versions not stated): ExAC 0.00001; gnomAD 0.00001; ESP Exome Variant Server 0.00008; 1000 Genomes Project 30x 0.00016; 1000 Genomes Project 0.00020.
gnomAD v4.1: 6 of 1,614,016 alleles (0.00037%); highest among the groups gnomAD compares: African/African-American, 0.0013%; no homozygotes.

Submission:

Labcorp Genetics (formerly Invitae), Labcorp
Classification: Uncertain significance for Muscle AMP deaminase deficiency. Last evaluated: 2024-03-11. Review status: criteria provided, single submitter. Criteria: Invitae Variant Classification Sherloc (09022015). Collection method: clinical testing. Allele origin: germline.
Comment: This sequence change replaces arginine, which is basic and polar, with leucine, which is neutral and non-polar, at codon 757 of the AMPD1 protein (p.Arg757Leu). This variant is present in population databases (rs146036570, gnomAD 0.007%). This variant has not been reported in the literature in individuals affected with AMPD1-related conditions. ClinVar contains an entry for this variant (Variation ID: 1478480). Advanced modeling of protein sequence and biophysical properties (such as structural, functional, and spatial information, amino acid conservation, physicochemical variation, residue mobility, and thermodynamic stability) performed at Invitae indicates that this missense variant is expected to disrupt AMPD1 protein function with a positive predictive value of 80%. In summary, the available evidence is currently insufficient to determine the role of this variant in disease. Therefore, it has been classified as a Variant of Uncertain Significance.